The following is an entry in ClinVar:

NM_000478.6(ALPL):c.935T>C (p.Met312Thr)

Gene: ALPL (alkaline phosphatase, biomineralization associated; plus strand). Cytogenetic location: 1p36.12.
Variant type: single nucleotide variant.
Coding change: c.935T>C on transcript NM_000478.6 (MANE Select); coding-DNA position 935, T replaced by C.
Protein change: p.Met312Thr; replaces methionine 312 with threonine.
Molecular consequence: missense variant.
Genome position (GRCh38, 1-based): chr1:21,573,737, T>C. VCF-style: chr1-21573737-T-C. GRCh37 (hg19) VCF-style: chr1-21900230-T-C.
Other names: c.770T>C, p.Met257Thr (NM_001127501.4); c.704T>C, p.Met235Thr (NM_001177520.3); c.935T>C, p.Met312Thr (NM_001369803.2, NM_001369804.2, NM_001369805.2); short protein forms M235T, M257T, M312T.
Identifiers: ClinVar variation 4853342 (VCV004853342.1).

ClinVar aggregate classification (germline): Uncertain significance (1 of 4 stars; one submission).

Submission:

Women's Health and Genetics/Laboratory Corporation of America, LabCorp
Classification: Uncertain significance. Last evaluated: 2026-05-28. Review status: criteria provided, single submitter. Criteria: LabCorp Variant Classification Summary - May 2015. Collection method: clinical testing. Allele origin: germline.
Comment: Variant summary: ALPL c.935T>C (p.Met312Thr) results in a non-conservative amino acid change in the encoded protein sequence. Algorithms developed to predict the effect of missense changes on protein structure and function all suggest that this variant is likely to be disruptive. The frequency data for this variant in gnomAD is considered unreliable, as metrics indicate poor data quality at this position. To our knowledge, no occurrence of c.935T>C in individuals affected with ALPL-related conditions and no experimental evidence demonstrating its impact on protein function have been reported. No submitters have cited clinical-significance assessments for this variant to ClinVar. Based on the evidence outlined above, the variant was classified as uncertain significance.